The following is an entry in ClinVar:

NM_032656.4(DHX37):c.2263_2264+1dup

Gene: DHX37 (DEAH-box helicase 37; minus strand). Cytogenetic location: 12q24.31.
Variant type: Duplication.
Coding change: c.2263_2264+1dup on transcript NM_032656.4 (MANE Select); coding-DNA position 2263 through the canonical splice donor site of the intron after coding-DNA position 2264, 3 bases duplicated (AGG; older notation c.2263_2264+1dupAGG).
Molecular consequence: splice donor variant.
Genome position (GRCh38, 1-based): chr12:124,957,028-124,957,030, CCT duplicated on the plus strand (AGG on the coding strand, the reverse complement: DHX37 is on the minus strand). VCF-style (leftmost placement, unchanged base first): chr12-124957027-A-ACCT. GRCh37 (hg19) VCF-style: chr12-125441573-A-ACCT.
Identifiers: ClinVar variation 2123539 (VCV002123539.4), dbSNP rs2547113978, ClinGen allele CA2580085996.

ClinVar aggregate classification (germline): Uncertain significance (1 of 4 stars; one submission).

Submission:

Labcorp Genetics (formerly Invitae), Labcorp
Classification: Uncertain significance. Last evaluated: 2025-03-07. Review status: criteria provided, single submitter. Criteria: Invitae Variant Classification Sherloc (09022015). Collection method: clinical testing. Allele origin: germline.
Comment: This sequence change affects a splice site in intron 17 of the DHX37 gene. It is expected to disrupt RNA splicing. Variants that disrupt the donor or acceptor splice site typically lead to a loss of protein function (PMID: 16199547), however the current clinical and genetic evidence is not sufficient to establish whether loss-of-function variants in DHX37 cause disease. This variant is not present in population databases (gnomAD no frequency). This variant has not been reported in the literature in individuals affected with DHX37-related conditions. ClinVar contains an entry for this variant (Variation ID: 2123539). In summary, the available evidence is currently insufficient to determine the role of this variant in disease. Therefore, it has been classified as a Variant of Uncertain Significance.

Literature cited by the submitters: PubMed 16199547.